The following is an entry in ClinVar:

NM_001017420.3(ESCO2):c.1505G>A (p.Arg502His)

Gene: ESCO2 (establishment of sister chromatid cohesion N-acetyltransferase 2; plus strand). Cytogenetic location: 8p21.1.
Variant type: single nucleotide variant.
Coding change: c.1505G>A on transcript NM_001017420.3 (MANE Select); coding-DNA position 1505, G replaced by A.
Protein change: p.Arg502His; replaces arginine 502 with histidine.
Molecular consequence: missense variant.
Genome position (GRCh38, 1-based): chr8:27,799,548, G>A. VCF-style: chr8-27799548-G-A. GRCh37 (hg19) VCF-style: chr8-27657065-G-A.
Other names: short protein forms R502H.
Identifiers: ClinVar variation 2154580 (VCV002154580.1), dbSNP rs567846735, ClinGen allele CA4692339.
Genomic context (GRCh38, chr8:27,799,548, plus strand): 5'-AGTGTGAACTCATCTGTGGTGTTAGCTATAGATGCTTCTGTATATCATTGCAGGCATTTC[G>A]TGTCCTGTCTGAACCAATTGGTCCAGAATCCCCAAGCTCTACGGAATGTCCTAGGGCTTG-3'
Protein context (NP_001017420.1, residues 492-512): LIAEPIKQAF[Arg502His]VLSEPIGPES

ClinVar aggregate classification (germline): Uncertain significance (1 of 4 stars; one submission).

Allele frequency attached by ClinVar (database versions not stated): gnomAD 0.00001; gnomAD exomes 0.00001; ExAC 0.00002.
gnomAD v4.1: 11 of 1,613,762 alleles (0.00068%); highest among the groups gnomAD compares: Admixed American, 0.0033%; 1 homozygote.

Submission:

Labcorp Genetics (formerly Invitae), Labcorp
Classification: Uncertain significance. Last evaluated: 2021-09-17. Review status: criteria provided, single submitter. Criteria: Invitae Variant Classification Sherloc (09022015). Collection method: clinical testing. Allele origin: germline.
Comment: This sequence change replaces arginine with histidine at codon 502 of the ESCO2 protein (p.Arg502His). The arginine residue is highly conserved and there is a small physicochemical difference between arginine and histidine. This variant is present in population databases (rs567846735, ExAC 0.006%). This variant has not been reported in the literature in individuals with ESCO2-related conditions. Algorithms developed to predict the effect of missense changes on protein structure and function are either unavailable or do not agree on the potential impact of this missense change (SIFT: "Deleterious"; PolyPhen-2: "Probably Damaging"; Align-GVGD: "Class C0"). In summary, the available evidence is currently insufficient to determine the role of this variant in disease. Therefore, it has been classified as a Variant of Uncertain Significance.